The following is an entry in ClinVar:

NM_182972.3(IRF2BP2):c.794C>T (p.Ala265Val)

Gene: IRF2BP2 (interferon regulatory factor 2 binding protein 2; minus strand). Cytogenetic location: 1q42.3.
Variant type: single nucleotide variant.
Coding change: c.794C>T on transcript NM_182972.3 (MANE Select); coding-DNA position 794, C replaced by T.
Protein change: p.Ala265Val; replaces alanine 265 with valine.
Molecular consequence: missense variant.
Genome position (GRCh38, 1-based): chr1:234,608,701, G>A on the plus strand (C>T on the coding strand, the complement: IRF2BP2 is on the minus strand). VCF-style: chr1-234608701-G-A. GRCh37 (hg19) VCF-style: chr1-234744447-G-A.
Other names: c.794C>T, p.Ala265Val (NM_001077397.1); short protein forms A265V.
Identifiers: ClinVar variation 1491385 (VCV001491385.6), dbSNP rs1002034303, ClinGen allele CA39546295.

ClinVar aggregate classification (germline): Uncertain significance (1 of 4 stars; one submission).

Allele frequency attached by ClinVar (database versions not stated): TOPMed 0.00001; gnomAD exomes 0.00002.

Submission:

Labcorp Genetics (formerly Invitae), Labcorp
Classification: Uncertain significance. Last evaluated: 2024-12-23. Review status: criteria provided, single submitter. Criteria: Invitae Variant Classification Sherloc (09022015). Collection method: clinical testing. Allele origin: germline.
Comment: This sequence change replaces alanine, which is neutral and non-polar, with valine, which is neutral and non-polar, at codon 265 of the IRF2BP2 protein (p.Ala265Val). This variant is not present in population databases (gnomAD no frequency). This variant has not been reported in the literature in individuals affected with IRF2BP2-related conditions. ClinVar contains an entry for this variant (Variation ID: 1491385). An algorithm developed to predict the effect of missense changes on protein structure and function (PolyPhen-2) suggests that this variant is likely to be tolerated. In summary, the available evidence is currently insufficient to determine the role of this variant in disease. Therefore, it has been classified as a Variant of Uncertain Significance.